The following is an entry in ClinVar:

ClinVar aggregate classification (germline): Uncertain significance (1 of 4 stars; one submission).

Conditions:
Idiopathic generalized epilepsy. Also called: Generalised epilepsy; EIG. Identifiers: MedGen C0270850, MONDO:0005579, OMIM 600669.
Hyperaldosteronism, familial, type IV (HALD4). Also called: FH IV; ALDOSTERONISM, PRIMARY, AND HYPERTENSION. Identifiers: Orphanet 642671, MedGen C4310756, MONDO:0014875, OMIM 617027.

Submission:

Labcorp Genetics (formerly Invitae), Labcorp
Classification: Uncertain significance for Idiopathic generalized epilepsy; Hyperaldosteronism, familial, type IV. Last evaluated: 2020-09-30. Review status: criteria provided, single submitter. Criteria: Invitae Variant Classification Sherloc (09022015). Collection method: clinical testing. Allele origin: germline.
Comment: The frequency data for this variant in the population databases is considered unreliable, as metrics indicate insufficient coverage at this position in the ExAC database. In summary, the available evidence is currently insufficient to determine the role of this variant in disease. Therefore, it has been classified as a Variant of Uncertain Significance. Experimental studies and prediction algorithms are not available or were not evaluated, and the functional significance of this variant is currently unknown. This variant has not been reported in the literature in individuals with CACNA1H-related conditions. This variant, c.1511_1516del, results in the deletion of 2 amino acid(s) of the CACNA1H protein (p.Gln504_Arg505del), but otherwise preserves the integrity of the reading frame.

NM_021098.3(CACNA1H):c.1511_1516del (p.Gln504_Arg505del)

Gene: CACNA1H (calcium voltage-gated channel subunit alpha1 H; plus strand). Cytogenetic location: 16p13.3.
Variant type: Deletion.
Coding change: c.1511_1516del on transcript NM_021098.3 (MANE Select); coding-DNA positions 1511 to 1516, 6 bases deleted (AGCGCC; older notation c.1511_1516delAGCGCC).
Protein change: p.Gln504_Arg505del.
Molecular consequence: inframe deletion.
Genome position (GRCh38, 1-based): chr16:1,201,961-1,201,966, AGCGCC deleted; deleting any 6 consecutive bases within chr16:1,201,957-1,201,966 gives the same sequence; the c. name uses the placement nearest the transcript's 3' end. VCF-style (leftmost placement, unchanged base first): chr16-1201956-CCGCCAG-C. GRCh37 (hg19) VCF-style: chr16-1251956-CCGCCAG-C.
Other names: c.1511_1516del, p.Gln504_Arg505del (NM_001005407.2).
Identifiers: ClinVar variation 1006869 (VCV001006869.8), dbSNP rs1967981000, ClinGen allele CA2201512929.